The following is an entry in ClinVar:

NM_001853.4(COL9A3):c.472C>T (p.Pro158Ser)

Gene: COL9A3 (collagen type IX alpha 3 chain; plus strand). Cytogenetic location: 20q13.33.
Variant type: single nucleotide variant.
Coding change: c.472C>T on transcript NM_001853.4 (MANE Select); coding-DNA position 472, C replaced by T.
Protein change: p.Pro158Ser; replaces proline 158 with serine.
Molecular consequence: missense variant.
Genome position (GRCh38, 1-based): chr20:62,822,159, C>T. VCF-style: chr20-62822159-C-T. GRCh37 (hg19) VCF-style: chr20-61453511-C-T.
Other names: short protein forms P158S.
Identifiers: ClinVar variation 2422002 (VCV002422002.8), dbSNP rs747938434, ClinGen allele CA9949282.

ClinVar aggregate classification (germline): Likely benign. Review status: criteria provided, multiple submitters, no conflicts (2 of 4 stars). 3 submissions from 3 submitters: Likely benign (3). Last evaluated 2025-04-16.

Allele frequency attached by ClinVar (database versions not stated): TOPMed 0.00006; gnomAD 0.00007; ExAC 0.00012.

Submissions (3):

Labcorp Genetics (formerly Invitae), Labcorp
Classification: Likely benign. Last evaluated: 2025-04-16. Review status: criteria provided, single submitter. Criteria: Invitae Variant Classification Sherloc (09022015). Collection method: clinical testing. Allele origin: germline.

Women's Health and Genetics/Laboratory Corporation of America, LabCorp
Classification: Likely benign. Last evaluated: 2024-11-19. Review status: criteria provided, single submitter. Criteria: LabCorp Variant Classification Summary - May 2015. Collection method: clinical testing. Allele origin: germline.
Comment: Variant summary: COL9A3 c.472C>T (p.Pro158Ser) results in a non-conservative amino acid change in the encoded protein sequence. Four of five in-silico tools predict a damaging effect of the variant on protein function. The variant allele was found at a frequency of 0.00011 in 248562 control chromosomes, predominantly at a frequency of 0.0015 within the East Asian subpopulation in the gnomAD database. The observed variant frequency within East Asian control individuals in the gnomAD database exceeds the estimated maximal expected allele frequency for a pathogenic variant in COL9A3 causing Multiple Epiphyseal Dysplasia phenotype. To our knowledge, no occurrence of c.472C>T in individuals affected with Multiple Epiphyseal Dysplasia and no experimental evidence demonstrating its impact on protein function have been reported. ClinVar contains an entry for this variant (Variation ID: 2422002). Based on the evidence outlined above, the variant was classified as likely benign.

Blueprint Genetics
Classification: Likely benign. Last evaluated: 2024-09-09. Review status: criteria provided, single submitter. Criteria: ACMG Guidelines, 2015. Collection method: clinical testing. Allele origin: germline.